The following is an entry in ClinVar:

NM_000264.5(PTCH1):c.145T>A (p.Tyr49Asn)

Genes: PTCH1 (patched 1; minus strand), LOC130002133 (ATAC-STARR-seq lymphoblastoid silent region 20071; plus strand). Cytogenetic location: 9q22.32.
Variant type: single nucleotide variant.
Coding change: c.145T>A on transcript NM_000264.5 (MANE Select); coding-DNA position 145, T replaced by A.
Protein change: p.Tyr49Asn; replaces tyrosine 49 with asparagine.
Molecular consequence: missense variant. On other transcripts: non-coding transcript variant (1), intron variant (3).
Genome position (GRCh38, 1-based): chr9:95,508,217, A>T on the plus strand (T>A on the coding strand, the complement: PTCH1 is on the minus strand). VCF-style: chr9-95508217-A-T. GRCh37 (hg19) VCF-style: chr9-98270499-A-T.
Other names: c.145T>A, p.Tyr49Asn (NM_001354918.2); c.199-1618T>A (NM_001083603.3); c.4-1618T>A (NM_001083602.3, NM_001354919.2); short protein forms Y49N.
Identifiers: ClinVar variation 5027517 (VCV005027517.1).

ClinVar aggregate classification (germline): Uncertain significance (1 of 4 stars; one submission).

Conditions:
Hereditary cancer-predisposing syndrome. Also called: Neoplastic Syndromes, Hereditary; Tumor predisposition; Hereditary neoplastic syndrome; Hereditary Cancer Syndrome. Identifiers: Orphanet 140162, MedGen C0027672, MeSH D009386, MONDO:0015356.

Submission:

Ambry Genetics
Classification: Uncertain significance for Hereditary cancer-predisposing syndrome. Last evaluated: 2026-07-20. Review status: criteria provided, single submitter. Criteria: Ambry Variant Classification Scheme 2023. Collection method: clinical testing. Allele origin: germline.
Comment: The p.Y49N variant (also known as c.145T>A), located in coding exon 1 of the PTCH1 gene, results from a T to A substitution at nucleotide position 145. The tyrosine at codon 49 is replaced by asparagine, an amino acid with dissimilar properties. This amino acid position is highly conserved in available vertebrate species. In addition, this alteration is predicted to be deleterious by in silico analysis. Based on the available evidence, the clinical significance of this variant remains unclear.